The following is an entry in ClinVar:

NM_002474.3(MYH11):c.4117C>G (p.Leu1373Val)

Genes: NDE1 (nudE neurodevelopment protein 1; plus strand), MYH11 (myosin heavy chain 11; minus strand). Cytogenetic location: 16p13.11.
Variant type: single nucleotide variant.
Coding change: c.4117C>G on transcript NM_002474.3 (MANE Select); coding-DNA position 4117, C replaced by G.
Protein change: p.Leu1373Val; replaces leucine 1373 with valine.
Molecular consequence: missense variant. On other transcripts: 3 prime UTR variant (2).
Genome position (GRCh38, 1-based): chr16:15,724,409, G>C on the plus strand (C>G on the coding strand, the complement: MYH11 is on the minus strand). VCF-style: chr16-15724409-G-C. GRCh37 (hg19) VCF-style: chr16-15818266-G-C.
Other names: c.4138C>G, p.Leu1380Val (NM_001040113.2, NM_001040114.2); c.4117C>G, p.Leu1373Val (NM_022844.3); c.*158G>C (NM_001143979.2, NM_017668.3); short protein forms L1373V, L1380V.
Identifiers: ClinVar variation 3387185 (VCV003387185.2).
Genomic context (GRCh38, chr16:15,724,409, plus strand): 5'-CCTCTTCCAGAGCTTCCACGGTGCTGGCAAAGTCCTGCAGCTTCTTCTTCGAGTCGGAGA[G>C]CTACAAGGACAGCGTCCAGGGTAGGGTGAGAGGGGGACCATGAGTGGCCCCTGTCCCTGG-3'
Protein context (NP_002465.1, residues 1363-1383): ERHISTLNIQ[Leu1373Val]SDSKKKLQDF

ClinVar aggregate classification (germline): Uncertain significance. Review status: criteria provided, multiple submitters, no conflicts (2 of 4 stars). 2 submissions from 2 submitters: Uncertain significance (2). Last evaluated 2024-06-09.

Conditions:
Familial thoracic aortic aneurysm and aortic dissection (TAAD). Also called: Thoracic aortic aneurysms and dissections. Identifiers: Orphanet 91387, MedGen C4707243, MONDO:0019625.

Submissions (2):

All of Us Research Program, National Institutes of Health
Classification: Uncertain significance for Familial thoracic aortic aneurysm and aortic dissection. Last evaluated: 2024-06-09. Review status: criteria provided, single submitter. Criteria: ACMG Guidelines, 2015. Collection method: clinical testing. Allele origin: germline. Inheritance: Autosomal dominant inheritance. Observed: 1 variant allele, 1 heterozygote.
Comment: This missense variant replaces leucine with valine at codon 1380 of the MYH11 protein. Computational prediction suggests that this variant may not impact protein structure and function (internally defined REVEL score threshold <= 0.5, PMID: 27666373). To our knowledge, functional studies have not been reported for this variant. This variant has not been reported in individuals affected with MYH11-related disorders in the literature. This variant has not been identified in the general population by the Genome Aggregation Database (gnomAD). The available evidence is insufficient to determine the role of this variant in disease conclusively. Therefore, this variant is classified as a Variant of Uncertain Significance.

This study involves interpretation of variants in research participants for the purpose of population health screening. Participant phenotype was not available at the time of variant classification. Additional details can be found in publication PMID: 35346344, PMCID: PMC8962531

Color Diagnostics, LLC DBA Color Health
Classification: Uncertain significance for Familial thoracic aortic aneurysm and aortic dissection. Last evaluated: 2024-05-21. Review status: criteria provided, single submitter. Criteria: ACMG Guidelines, 2015. Collection method: clinical testing. Allele origin: germline.
Comment: This missense variant replaces leucine with valine at codon 1380 of the MYH11 protein. Computational prediction suggests that this variant may not impact protein structure and function (internally defined REVEL score threshold <= 0.5, PMID: 27666373). To our knowledge, functional studies have not been reported for this variant. This variant has not been reported in individuals affected with MYH11-related disorders in the literature. This variant has not been identified in the general population by the Genome Aggregation Database (gnomAD). The available evidence is insufficient to determine the role of this variant in disease conclusively. Therefore, this variant is classified as a Variant of Uncertain Significance.